The following is an entry in ClinVar:

ClinVar aggregate classification (germline): Benign (1 of 4 stars; one submission).

Conditions:
Intellectual developmental disorder, X-linked, syndromic, Raymond type. Also called: Syndromic X-linked intellectual disability Raymond type. Identifiers: MedGen C3275406, MONDO:0010427, OMIM 300799.

Submission:

Centre for Mendelian Genomics, University Medical Centre Ljubljana
Classification: Benign for Intellectual developmental disorder, X-linked, syndromic, Raymond type. Last evaluated: 2019-11-11. Review status: criteria provided, single submitter. Criteria: ACMG Guidelines, 2015. Collection method: clinical testing. Allele origin: unknown. Affected: yes.
Comment: This variant was classified as: Benign. The following ACMG criteria were applied in classifying this variant: BS2,BS4.

NM_016032.4(ZDHHC9):c.354G>C (p.Gln118His)

Gene: ZDHHC9 (zDHHC palmitoyltransferase 9; minus strand). Cytogenetic location: Xq26.1.
Variant type: single nucleotide variant.
Coding change: c.354G>C on transcript NM_016032.4 (MANE Select); coding-DNA position 354, G replaced by C.
Protein change: p.Gln118His; replaces glutamine 118 with histidine.
Molecular consequence: missense variant.
Genome position (GRCh38, 1-based): chrX:129,823,812, C>G on the plus strand (G>C on the coding strand, the complement: ZDHHC9 is on the minus strand). VCF-style: chrX-129823812-C-G. GRCh37 (hg19) VCF-style: chrX-128957788-C-G.
Other names: c.354G>C, p.Gln118His (NM_001008222.3); short protein forms Q118H.
Identifiers: ClinVar variation 931519 (VCV000931519.3), dbSNP rs1927947896, ClinGen allele CA414591064.
Genomic context (GRCh38, chrX:129,823,812, plus strand): 5'-CAGTTTCACAATCTGGTTGTTTATCTGGAAATTCTTGATACGAGGCGGTGGTCGCTGGCC[C>G]TGGGGCACCGCACCATTGGTAGCTTCTGTAAATCAATAAAGACAGTTAATATCACAGCTA-3'
Protein context (NP_057116.2, residues 108-128): EIEATNGAVP[Gln118His]GQRPPPRIKN